The following is an entry in ClinVar:

ClinVar aggregate classification (germline): Uncertain significance. Review status: criteria provided, multiple submitters, no conflicts (2 of 4 stars). 2 submissions from 2 submitters: Uncertain significance (2). Last evaluated 2025-06-17.

Conditions:
DTNA-related disorder. Also called: DTNA-related condition.
Left ventricular noncompaction 1 (LVNC1). Also called: LEFT VENTRICULAR NONCOMPACTION 1 WITH OR WITHOUT CONGENITAL HEART DEFECTS. Identifiers: Orphanet 54260, MedGen C1858725, MONDO:0011403, OMIM 604169.

gnomAD v4.1: 5 of 1,614,032 alleles (0.00031%); highest among the groups gnomAD compares: Non-Finnish European, 0.00042%; no homozygotes.

Submissions (2):

PreventionGenetics, part of Exact Sciences
Classification: Uncertain significance for DTNA-related condition. Last evaluated: 2025-06-17. Review status: criteria provided, single submitter. Criteria: ACMG Guidelines, 2015. Collection method: clinical testing. Allele origin: germline.
Comment: The DTNA c.514C>T variant is predicted to result in the amino acid substitution p.Arg172Trp. To our knowledge, this variant has not been reported in the literature or in a large population database (gnomAD), indicating this variant is rare. At this time, the clinical significance of this variant is uncertain due to the absence of conclusive functional and genetic evidence.

Labcorp Genetics (formerly Invitae), Labcorp
Classification: Uncertain significance for Left ventricular noncompaction 1. Last evaluated: 2024-09-09. Review status: criteria provided, single submitter. Criteria: Invitae Variant Classification Sherloc (09022015). Collection method: clinical testing. Allele origin: germline.
Comment: This sequence change replaces arginine, which is basic and polar, with tryptophan, which is neutral and slightly polar, at codon 172 of the DTNA protein (p.Arg172Trp). This variant is not present in population databases (gnomAD no frequency). This variant has not been reported in the literature in individuals affected with DTNA-related conditions. ClinVar contains an entry for this variant (Variation ID: 1991667). Invitae Evidence Modeling of protein sequence and biophysical properties (such as structural, functional, and spatial information, amino acid conservation, physicochemical variation, residue mobility, and thermodynamic stability) indicates that this missense variant is not expected to disrupt DTNA protein function with a negative predictive value of 80%. In summary, the available evidence is currently insufficient to determine the role of this variant in disease. Therefore, it has been classified as a Variant of Uncertain Significance.

NM_001386795.1(DTNA):c.514C>T (p.Arg172Trp)

Gene: DTNA (dystrobrevin alpha; plus strand). Cytogenetic location: 18q12.1.
Variant type: single nucleotide variant.
Coding change: c.514C>T on transcript NM_001386795.1 (MANE Select); coding-DNA position 514, C replaced by T.
Protein change: p.Arg172Trp; replaces arginine 172 with tryptophan.
Molecular consequence: missense variant.
Genome position (GRCh38, 1-based): chr18:34,812,024, C>T. VCF-style: chr18-34812024-C-T. GRCh37 (hg19) VCF-style: chr18-32391988-C-T.
Other names: c.514C>T, p.Arg172Trp (NM_001128175.2, NM_001198938.2, NM_001198939.2 and 35 more transcripts); c.514C>T (NM_001390.4); short protein forms R172W.
Identifiers: ClinVar variation 1991667 (VCV001991667.5), dbSNP rs954418044, ClinGen allele CA298589906.